The following is an entry in ClinVar:

NM_005591.4(MRE11):c.86A>T (p.Asp29Val)

Gene: MRE11 (MRE11 double strand break repair nuclease; minus strand). Cytogenetic location: 11q21.
Variant type: single nucleotide variant.
Coding change: c.86A>T on transcript NM_005591.4 (MANE Select); coding-DNA position 86, A replaced by T.
Protein change: p.Asp29Val; replaces aspartic acid 29 with valine.
Molecular consequence: missense variant.
Genome position (GRCh38, 1-based): chr11:94,490,900, T>A on the plus strand (A>T on the coding strand, the complement: MRE11 is on the minus strand). VCF-style: chr11-94490900-T-A. GRCh37 (hg19) VCF-style: chr11-94224066-T-A.
Other names: c.86A>T, p.Asp29Val (NM_001330347.2, NM_005590.4); short protein forms D29V.
Identifiers: ClinVar variation 3224870 (VCV003224870.1), dbSNP rs1209434347, ClinGen allele CA382380805.

ClinVar aggregate classification (germline): Uncertain significance (1 of 4 stars; one submission).

Conditions:
Hereditary cancer-predisposing syndrome. Also called: Neoplastic Syndromes, Hereditary; Tumor predisposition; Hereditary neoplastic syndrome; Hereditary Cancer Syndrome. Identifiers: Orphanet 140162, MedGen C0027672, MeSH D009386, MONDO:0015356.

Allele frequency attached by ClinVar (database versions not stated): gnomAD exomes below 0.00001.

Submission:

Ambry Genetics
Classification: Uncertain significance for Hereditary cancer-predisposing syndrome. Last evaluated: 2024-03-12. Review status: criteria provided, single submitter. Criteria: Ambry Variant Classification Scheme 2023. Collection method: clinical testing. Allele origin: germline.
Comment: The p.D29V variant (also known as c.86A>T), located in coding exon 2 of the MRE11A gene, results from an A to T substitution at nucleotide position 86. The aspartic acid at codon 29 is replaced by valine, an amino acid with highly dissimilar properties. This amino acid position is conserved. In addition, this alteration is predicted to be deleterious by in silico analysis. Based on the available evidence, the clinical significance of this alteration remains unclear.